The following is an entry in ClinVar:

ClinVar aggregate classification (germline): Uncertain significance (1 of 4 stars; one submission).

Conditions:
Familial thoracic aortic aneurysm and aortic dissection (TAAD). Also called: Thoracic aortic aneurysms and dissections. Identifiers: Orphanet 91387, MedGen C4707243, MONDO:0019625.

Submission:

Ambry Genetics
Classification: Uncertain significance for Familial thoracic aortic aneurysm and aortic dissection. Last evaluated: 2022-12-04. Review status: criteria provided, single submitter. Criteria: Ambry Variant Classification Scheme 2023. Collection method: clinical testing. Allele origin: germline.
Comment: The p.A6S variant (also known as c.16G>T), located in coding exon 1 of the NOTCH1 gene, results from a G to T substitution at nucleotide position 16. The alanine at codon 6 is replaced by serine, an amino acid with similar properties. This amino acid position is conserved. In addition, this alteration is predicted to be tolerated by in silico analysis. Since supporting evidence is limited at this time, the clinical significance of this alteration remains unclear.

NM_017617.5(NOTCH1):c.16G>T (p.Ala6Ser)

Genes: NOTCH1 (notch receptor 1; minus strand), LOC130003020 (ATAC-STARR-seq lymphoblastoid silent region 20528; plus strand). Cytogenetic location: 9q34.3.
Variant type: single nucleotide variant.
Coding change: c.16G>T on transcript NM_017617.5 (MANE Select); coding-DNA position 16, G replaced by T.
Protein change: p.Ala6Ser; replaces alanine 6 with serine.
Molecular consequence: missense variant.
Genome position (GRCh38, 1-based): chr9:136,545,771, C>A on the plus strand (G>T on the coding strand, the complement: NOTCH1 is on the minus strand). VCF-style: chr9-136545771-C-A. GRCh37 (hg19) VCF-style: chr9-139440223-C-A.
Other names: short protein forms A6S.
Identifiers: ClinVar variation 2452177 (VCV002452177.2), dbSNP rs1564217184, ClinGen allele CA375579895.